The following is an entry in ClinVar:

NM_005562.3(LAMC2):c.2565del (p.Ser856fs)

Gene: LAMC2 (laminin subunit gamma 2; plus strand). Cytogenetic location: 1q25.3.
Variant type: Deletion.
Coding change: c.2565del on transcript NM_005562.3 (MANE Select); coding-DNA position 2565, one base deleted (G; older notation c.2565delG).
Protein change: p.Ser856fs; shifts the reading frame from serine 856.
Molecular consequence: frameshift variant.
Genome position (GRCh38, 1-based): chr1:183,236,568, G deleted. VCF-style (leftmost placement, unchanged base first): chr1-183236567-TG-T. GRCh37 (hg19) VCF-style: chr1-183205702-TG-T.
Other names: c.2565del, p.Ser856fs (NM_018891.3); short protein forms S856fs.
Identifiers: ClinVar variation 1410517 (VCV001410517.6), dbSNP rs2102247202, ClinGen allele CA2573130617.
Genomic context (GRCh38, chr1:183,236,567, plus strand): 5'-CTCAAGCGGAAATTGAAGCAGATAGGTCTTATCAGCACAGTCTCCGCCTCCTGGATTCAG[TG>T]TCTCGGCTTCAGGGAGTCAGTGATCAGTCCTTTCAGGTGAGGGCATCTGGCCTGTGTGCT-3'

ClinVar aggregate classification (germline): Pathogenic (1 of 4 stars; one submission).

Submission:

Labcorp Genetics (formerly Invitae), Labcorp
Classification: Pathogenic. Last evaluated: 2021-04-12. Review status: criteria provided, single submitter. Criteria: Invitae Variant Classification Sherloc (09022015). Collection method: clinical testing. Allele origin: germline.
Comment: For these reasons, this variant has been classified as Pathogenic. This variant has not been reported in the literature in individuals with LAMC2-related conditions. This variant is not present in population databases (ExAC no frequency). This sequence change creates a premature translational stop signal (p.Ser856Leufs*30) in the LAMC2 gene. It is expected to result in an absent or disrupted protein product. Loss-of-function variants in LAMC2 are known to be pathogenic (PMID: 11907499, 16473856).

Literature cited by the submitters: PubMed 11907499; PubMed 16473856.